The following is an entry in ClinVar:

NM_000038.6(APC):c.1158A>G (p.Ala386=)

Gene: APC (APC regulator of Wnt signaling pathway; plus strand). Cytogenetic location: 5q22.2.
Variant type: single nucleotide variant.
Coding change: c.1158A>G on transcript NM_000038.6 (MANE Select); coding-DNA position 1158, A replaced by G.
Protein change: p.Ala386=; no amino-acid change (alanine 386 retained).
Molecular consequence: synonymous variant. On other transcripts: intron variant (4).
Genome position (GRCh38, 1-based): chr5:112,819,190, A>G. VCF-style: chr5-112819190-A-G. GRCh37 (hg19) VCF-style: chr5-112154887-A-G.
Other names: c.1158A>G, p.Ala386= (NM_001127510.3, NM_001354895.2, NM_001354896.2); c.1104A>G, p.Ala368= (NM_001127511.3); c.1188A>G, p.Ala396= (NM_001354897.2); c.1083A>G, p.Ala361= (NM_001354898.2); c.1074A>G, p.Ala358= (NM_001354899.2); c.981A>G, p.Ala327= (NM_001354900.2, NM_001354901.2); c.309A>G, p.Ala103= (NM_001354906.2); c.964-79A>G (NM_001354902.2); and 3 more.
Identifiers: ClinVar variation 384190 (VCV000384190.20), dbSNP rs370669642, ClinGen allele CA026807.

ClinVar aggregate classification (germline): Benign/Likely benign. Review status: criteria provided, multiple submitters, no conflicts (2 of 4 stars). 7 submissions from 7 submitters: Benign (1); Likely benign (6). Last evaluated 2026-01-17.

Conditions:
Hereditary cancer-predisposing syndrome. Also called: Hereditary Cancer Syndrome; Hereditary neoplastic syndrome; Neoplastic Syndromes, Hereditary; Tumor predisposition. Identifiers: Orphanet 140162, MedGen C0027672, MeSH D009386, MONDO:0015356.
Classic or attenuated familial adenomatous polyposis. Identifiers: MedGen CN372698, MONDO:0021057.
Familial adenomatous polyposis 1 (FAP1). Also called: FAMILIAL ADENOMATOUS POLYPOSIS 1, ATTENUATED; POLYPOSIS, ADENOMATOUS INTESTINAL. Identifiers: MedGen C2713442, MONDO:0021056, OMIM 175100. Disease mechanism: loss of function.

Allele frequency attached by ClinVar (database versions not stated): gnomAD exomes below 0.00001 and 0.00001; ExAC 0.00001; gnomAD 0.00002 and 0.00003; TOPMed 0.00003; ESP Exome Variant Server 0.00008.
gnomAD v4.1: 10 of 1,613,820 alleles (0.00062%); highest among the groups gnomAD compares: Non-Finnish European, 0.00076%; no homozygotes.

Submissions (7):

Labcorp Genetics (formerly Invitae), Labcorp
Classification: Likely benign for Familial adenomatous polyposis 1. Last evaluated: 2026-01-17. Review status: criteria provided, single submitter. Criteria: Invitae Variant Classification Sherloc (09022015). Collection method: clinical testing. Allele origin: germline.

Quest Diagnostics Nichols Institute San Juan Capistrano
Classification: Likely benign. Last evaluated: 2025-09-03. Review status: criteria provided, single submitter. Criteria: Quest Diagnostics criteria. Collection method: clinical testing. Allele origin: unknown.

Myriad Genetics, Inc.
Classification: Benign for Familial adenomatous polyposis 1. Last evaluated: 2024-03-01. Review status: criteria provided, single submitter. Criteria: Myriad Autosomal Dominant, Autosomal Recessive and X-Linked Classification Criteria (2023). Collection method: clinical testing. Allele origin: unknown.
Comment: This variant is considered benign. This variant is a silent/synonymous amino acid change and it is not expected to impact splicing.

All of Us Research Program, National Institutes of Health
Classification: Likely benign for Classic or attenuated familial adenomatous polyposis. Last evaluated: 2023-11-20. Review status: criteria provided, single submitter. Criteria: ACMG Guidelines, 2015. Collection method: clinical testing. Allele origin: germline. Inheritance: Autosomal dominant inheritance. Observed: 1 variant allele, 1 heterozygote.
Comment: This study involves interpretation of variants in research participants for the purpose of population health screening. Participant phenotype was not available at the time of variant classification. Additional details can be found in publication PMID: 35346344, PMCID: PMC8962531

Color Diagnostics, LLC DBA Color Health
Classification: Likely benign for Hereditary cancer-predisposing syndrome. Last evaluated: 2017-07-21. Review status: criteria provided, single submitter. Criteria: ACMG Guidelines, 2015. Collection method: clinical testing. Allele origin: germline.

Ambry Genetics
Classification: Likely benign for Hereditary cancer-predisposing syndrome. Last evaluated: 2016-06-22. Review status: criteria provided, single submitter. Criteria: Ambry Variant Classification Scheme 2023. Collection method: clinical testing. Allele origin: germline.

GeneDx
Classification: Likely benign. Last evaluated: 2016-02-24. Review status: criteria provided, single submitter. Criteria: GeneDx Variant Classification (06012015). Collection method: clinical testing. Allele origin: germline. Affected: yes.
Comment: This variant is considered likely benign or benign based on one or more of the following criteria: it is a conservative change, it occurs at a poorly conserved position in the protein, it is predicted to be benign by multiple in silico algorithms, and/or has population frequency not consistent with disease.